The following is an entry in ClinVar:

ClinVar aggregate classification (germline): Benign/Likely benign. Review status: criteria provided, multiple submitters, no conflicts (2 of 4 stars). 5 submissions from 5 submitters: Benign (1); Likely benign (4). Last evaluated 2026-01-26.

Conditions:
Isolated cryptophthalmia. Also called: ANKYLOBLEPHARON, SIMPLE; Cryptophthalmos, unilateral or bilateral, isolated. Identifiers: Orphanet 91396, MedGen C1852453, MONDO:0007410, OMIM 123570.
Fraser syndrome 2 (FRASRS2). Identifiers: MedGen C4540036, MONDO:0054738, OMIM 617666.

Allele frequency attached by ClinVar (database versions not stated): TOPMed 0.00014; ESP Exome Variant Server 0.00038; gnomAD exomes 0.00052 and 0.00101; gnomAD 0.00076 and 0.00082; ExAC 0.00115.
gnomAD v4.1: 883 of 1,614,102 alleles (0.055%); highest among the groups gnomAD compares: Non-Finnish European, 0.023%; 3 homozygotes.

Submissions (5):

Labcorp Genetics (formerly Invitae), Labcorp
Classification: Benign. Last evaluated: 2026-01-26. Review status: criteria provided, single submitter. Criteria: Invitae Variant Classification Sherloc (09022015). Collection method: clinical testing. Allele origin: germline.

CeGaT Center for Human Genetics Tuebingen
Classification: Likely benign. Last evaluated: 2025-03-01. Review status: criteria provided, single submitter. Criteria: CeGaT Center For Human Genetics Tuebingen Variant Classification Criteria Version 2. Collection method: clinical testing. Allele origin: germline. Affected: yes. Observed: 1 variant allele.
Comment: FREM2: BP4, BP7

Blueprint Genetics
Classification: Likely benign. Last evaluated: 2024-10-11. Review status: criteria provided, single submitter. Criteria: ACMG Guidelines, 2015. Collection method: clinical testing. Allele origin: germline.

Fulgent Genetics
Classification: Likely benign for Isolated cryptophthalmia; Fraser syndrome 2. Last evaluated: 2021-11-24. Review status: criteria provided, single submitter. Criteria: ACMG Guidelines, 2015. Collection method: clinical testing. Allele origin: unknown.

Eurofins Ntd Llc (ga)
Classification: Likely benign. Last evaluated: 2016-12-29. Review status: criteria provided, single submitter. Criteria: EGL Classification Definitions 2015. Collection method: clinical testing. Allele origin: germline. Observed: 2 variant alleles, 2 heterozygotes.

NM_207361.6(FREM2):c.8100T>G (p.Leu2700=)

Genes: FREM2 (FRAS1 related extracellular matrix 2; plus strand), LOC130009588 (ATAC-STARR-seq lymphoblastoid silent region 5274; plus strand). Cytogenetic location: 13q13.3.
Variant type: single nucleotide variant.
Coding change: c.8100T>G on transcript NM_207361.6 (MANE Select); coding-DNA position 8100, T replaced by G.
Protein change: p.Leu2700=; no amino-acid change (leucine 2700 retained).
Molecular consequence: synonymous variant.
Genome position (GRCh38, 1-based): chr13:38,872,858, T>G. VCF-style: chr13-38872858-T-G. GRCh37 (hg19) VCF-style: chr13-39446995-T-G.
Identifiers: ClinVar variation 194804 (VCV000194804.21), dbSNP rs141834289, ClinGen allele CA240982.